The following is an entry in ClinVar:

NM_004170.6(SLC1A1):c.483+4A>C

Gene: SLC1A1 (solute carrier family 1 member 1; plus strand). Cytogenetic location: 9p24.2.
Variant type: single nucleotide variant.
Coding change: c.483+4A>C on transcript NM_004170.6 (MANE Select); 4 bases into the intron after coding-DNA position 483, A replaced by C.
Molecular consequence: intron variant.
Genome position (GRCh38, 1-based): chr9:4,566,093, A>C. VCF-style: chr9-4566093-A-C. GRCh37 (hg19) VCF-style: chr9-4566093-A-C.
Identifiers: ClinVar variation 3042165 (VCV003042165.2), dbSNP rs371266520, ClinGen allele CA4969005.

ClinVar aggregate classification (germline): Likely benign (0 of 4 stars; one submission).

Conditions:
SLC1A1-related disorder. Also called: SLC1A1-related condition.

Allele frequency attached by ClinVar (database versions not stated): ExAC 0.00005; gnomAD 0.00007; ESP Exome Variant Server 0.00023.
gnomAD v4.1: 292 of 1,610,802 alleles (0.018%); highest among the groups gnomAD compares: Non-Finnish European, 0.024%; no homozygotes.

Submission:

PreventionGenetics, part of Exact Sciences
Classification: Likely benign for SLC1A1-related condition. Last evaluated: 2019-03-18. Review status: no assertion criteria provided. Collection method: clinical testing. Allele origin: germline.
Comment: This variant is classified as likely benign based on ACMG/AMP sequence variant interpretation guidelines (Richards et al. 2015 PMID: 25741868, with internal and published modifications).